The following is an entry in ClinVar:

ClinVar aggregate classification (germline): Uncertain significance (1 of 4 stars; one submission).

Conditions:
Focal segmental glomerulosclerosis 5 (FSGS5). Identifiers: Orphanet 656, MedGen C2750475, MONDO:0013191, OMIM 613237.
Charcot-Marie-Tooth disease dominant intermediate E. Also called: CHARCOT-MARIE-TOOTH NEUROPATHY WITH FOCAL SEGMENTAL GLOMERULONEPHRITIS. Identifiers: Orphanet 93114, MedGen C4302667, MONDO:0013758, OMIM 614455.

Submission:

Labcorp Genetics (formerly Invitae), Labcorp
Classification: Uncertain significance for Charcot-Marie-Tooth disease dominant intermediate E; Focal segmental glomerulosclerosis 5. Last evaluated: 2025-03-19. Review status: criteria provided, single submitter. Criteria: Invitae Variant Classification Sherloc (09022015). Collection method: clinical testing. Allele origin: germline.
Comment: This variant, c.1425_1475del, results in the deletion of 17 amino acid(s) of the INF2 protein (p.Leu476_Pro492del), but otherwise preserves the integrity of the reading frame. This variant is not present in population databases (gnomAD no frequency). This variant has not been reported in the literature in individuals affected with INF2-related conditions. Experimental studies and prediction algorithms are not available or were not evaluated, and the functional significance of this variant is currently unknown. In summary, the available evidence is currently insufficient to determine the role of this variant in disease. Therefore, it has been classified as a Variant of Uncertain Significance.

NM_022489.4(INF2):c.1425_1475del (p.Leu476_Pro492del)

Gene: INF2 (inverted formin 2; plus strand). Cytogenetic location: 14q32.33.
Variant type: Deletion.
Coding change: c.1425_1475del on transcript NM_022489.4 (MANE Select); coding-DNA positions 1425 to 1475, 51 bases deleted.
Protein change: p.Leu476_Pro492del.
Molecular consequence: non-coding transcript variant (on NR_190061.1).
Genome position (GRCh38, 1-based): chr14:104,707,692-104,707,742, 51 bases deleted. GRCh37 (hg19): chr14:105,174,029-105,174,079.
Other names: c.1425_1475del, p.Leu476_Pro492del (NM_001031714.4, NM_001426862.1, NM_001426863.1 and 2 more transcripts).
Identifiers: ClinVar variation 4794753 (VCV004794753.1).